The following is an entry in ClinVar:

ClinVar aggregate classification (germline): Conflicting classifications of pathogenicity. Review status: criteria provided, conflicting classifications (1 of 4 stars). 2 submissions from 2 submitters: Uncertain significance (1); Likely benign (1). Last evaluated 2025-03-22.

Allele frequency attached by ClinVar (database versions not stated): ExAC 0.00010; 1000 Genomes Project 30x 0.00016; 1000 Genomes Project 0.00020; ESP Exome Variant Server 0.00031; gnomAD 0.00037; TOPMed 0.00037.
gnomAD v4.1: 198 of 1,614,114 alleles (0.012%); highest among the groups gnomAD compares: African/African-American, 0.12%; no homozygotes.

Submissions (2):

Ambry Genetics
Classification: Uncertain significance. Last evaluated: 2025-03-22. Review status: criteria provided, single submitter. Criteria: Ambry Variant Classification Scheme 2023. Collection method: clinical testing. Allele origin: germline.

CeGaT Center for Human Genetics Tuebingen
Classification: Likely benign. Last evaluated: 2022-09-01. Review status: criteria provided, single submitter. Criteria: CeGaT Center For Human Genetics Tuebingen Variant Classification Criteria Version 2. Collection method: clinical testing. Allele origin: germline. Affected: yes. Observed: 1 variant allele.
Comment: POLN: BP4

NM_181808.4(POLN):c.544G>A (p.Glu182Lys)

Gene: POLN (DNA polymerase nu; minus strand). Cytogenetic location: 4p16.3.
Variant type: single nucleotide variant.
Coding change: c.544G>A on transcript NM_181808.4 (MANE Select); coding-DNA position 544, G replaced by A.
Protein change: p.Glu182Lys; replaces glutamic acid 182 with lysine.
Molecular consequence: missense variant.
Genome position (GRCh38, 1-based): chr4:2,208,157, C>T on the plus strand (G>A on the coding strand, the complement: POLN is on the minus strand). VCF-style: chr4-2208157-C-T. GRCh37 (hg19) VCF-style: chr4-2209884-C-T.
Other names: short protein forms E182K.
Identifiers: ClinVar variation 2344755 (VCV002344755.26), dbSNP rs112666310, ClinGen allele CA2814927.